The following is an entry in ClinVar:

NM_000277.3(PAH):c.842+6T>A

Gene: PAH (phenylalanine hydroxylase; minus strand). Cytogenetic location: 12q23.2.
Variant type: single nucleotide variant.
Coding change: c.842+6T>A on transcript NM_000277.3 (MANE Select); 6 bases into the intron after coding-DNA position 842, T replaced by A.
Molecular consequence: intron variant.
Genome position (GRCh38, 1-based): chr12:102,852,809, A>T on the plus strand (T>A on the coding strand, the complement: PAH is on the minus strand). VCF-style: chr12-102852809-A-T. GRCh37 (hg19) VCF-style: chr12-103246587-A-T.
Other names: c.842+6T>A (NM_001354304.2).
Identifiers: ClinVar variation 805821 (VCV000805821.1), dbSNP rs1592952773, ClinGen allele CA16020872.
Genomic context (GRCh38, chr12:102,852,809, plus strand): 5'-TTCTTGCAGCAGGAAAAGATGGCGCTCATTGTGCCTGGCAACTGGTAGCTGGAGGACAGT[A>T]CTCACGGTTCGGGGGTATACATGGGCTTGGATCCATGTCTGATGTACTGTGTGCAGTGGA-3'

ClinVar aggregate classification (germline): Uncertain significance (3 of 4 stars; one submission).

Conditions:
Phenylketonuria (PKU). Also called: FOLLING DISEASE; Phenylketonuria (PKU); OLIGOPHRENIA PHENYLPYRUVICA; Phenylketonurias. Identifiers: Orphanet 716, MedGen C0031485, MONDO:0009861, OMIM 261600. Disease mechanism: loss of function.

Submission:

ClinGen PAH Variant Curation Expert Panel
Classification: Uncertain significance for Phenylketonuria. Last evaluated: 2019-04-03. Review status: reviewed by expert panel. Criteria: ClinGen PAH ACMG Specifications v1. Collection method: curation. Allele origin: germline. Inheritance: Autosomal recessive inheritance.
Comment: The c.842+6T>A PAH variant has been identified in at least one patient with hyperphenylalaninemia (PMID: 10429004). Serum phenylalanine was considered severe in this patient (>28mg/dl), however without indication of a second PAH variant. This variant is absent from 1000G, ESP, and gnomAD databases. It is intronic in a highly conserved nucleotide, and computation analysis predict a reduction in splicing at the donor site of intron 7. In summary, this variant meets criteria to be classified as uncertain significance for PAH. PAH-specific ACMG/AMP criteria applied: PP3, PP4, PM2.

Literature cited by the submitters: PubMed 10429004.